The following is an entry in ClinVar:

ClinVar aggregate classification (germline): Benign. Review status: criteria provided, multiple submitters, no conflicts (2 of 4 stars). 6 submissions from 6 submitters: Benign (4). 2 of the submissions do not count toward it. Last evaluated 2026-02-03.

Allele frequency attached by ClinVar (database versions not stated): 1000 Genomes Project 0.16374; ExAC 0.17565; TOPMed 0.13594; gnomAD 0.13858 and 0.14050; gnomAD exomes 0.15226 and 0.16055; 1000 Genomes Project 30x 0.15959.
gnomAD v4.1: 246,238 of 1,550,434 alleles (16%); highest among the groups gnomAD compares: East Asian, 19%; 20,195 homozygotes.

Submissions (6):

Labcorp Genetics (formerly Invitae), Labcorp
Classification: Benign. Last evaluated: 2026-02-03. Review status: criteria provided, single submitter. Criteria: Invitae Variant Classification Sherloc (09022015). Collection method: clinical testing. Allele origin: germline.

GeneDx
Classification: Benign. Last evaluated: 2018-06-16. Review status: criteria provided, single submitter. Criteria: GeneDx Variant Classification (06012015). Collection method: clinical testing. Allele origin: germline. Affected: yes.
Comment: This variant is considered likely benign or benign based on one or more of the following criteria: it is a conservative change, it occurs at a poorly conserved position in the protein, it is predicted to be benign by multiple in silico algorithms, and/or has population frequency not consistent with disease.

Laboratory for Molecular Medicine, Mass General Brigham Personalized Medicine
Classification: Benign. Last evaluated: 2014-11-24. Review status: criteria provided, single submitter. Criteria: LMM Criteria. Collection method: clinical testing. Allele origin: germline. Observed: 225 variant alleles.
Comment: 3444+15C>T in intron 27 of OTOG: This variant is not expected to have clinical s ignificance because it is not located within the conserved splice consensus sequ ence. It has been identified in 21.5% (43/200) of Han Chinese chromosomes from a broad population by the 1000 Genomes Project (cts/SNP; dbSNP rs7936484).

Breakthrough Genomics
Classification: Benign. Review status: criteria provided, single submitter. Criteria: ACMG Guidelines, 2015. Collection method: not provided. Allele origin: germline. Inheritance: Autosomal recessive inheritance. Affected: yes.

Diagnostic Laboratory, Department of Genetics, University Medical Center Groningen
Classification: Benign. Review status: no assertion criteria provided. Collection method: clinical testing. Allele origin: germline. Affected: yes. Study: VKGL Data-share Consensus. Not counted in ClinVar's aggregate classification.

Joint Genome Diagnostic Labs from Nijmegen and Maastricht, Radboudumc and MUMC+
Classification: Benign. Review status: no assertion criteria provided. Collection method: clinical testing. Allele origin: germline. Affected: yes. Study: VKGL Data-share Consensus. Not counted in ClinVar's aggregate classification.

NM_001292063.2(OTOG):c.3408+15C>T

Gene: OTOG (otogelin; plus strand). Cytogenetic location: 11p15.1.
Variant type: single nucleotide variant.
Coding change: c.3408+15C>T on transcript NM_001292063.2 (MANE Select); 15 bases into the intron after coding-DNA position 3408, C replaced by T.
Molecular consequence: intron variant.
Genome position (GRCh38, 1-based): chr11:17,594,181, C>T. VCF-style: chr11-17594181-C-T. GRCh37 (hg19) VCF-style: chr11-17615728-C-T.
Other names: c.3444+15C>T (NM_001277269.2).
Identifiers: ClinVar variation 226886 (VCV000226886.19), dbSNP rs7936484, ClinGen allele CA5905731.
Genomic context (GRCh38, chr11:17,594,181, plus strand): 5'-GCTAACTAACCCCCAGGAGTTTGGCAGCAGTTGGGCTGCAGTTGAGGTAAAGCCTCTCTT[C>T]CAGGCTGGCTTATGCCCCTCACTCAGATGGGCGCTGCCAGCACTGAACCCGGCCCAAGGT-3'